The following is an entry in ClinVar:

NM_003611.3(OFD1):c.755C>T (p.Ala252Val)

Gene: OFD1 (OFD1 centriole and centriolar satellite protein; plus strand). Cytogenetic location: Xp22.2.
Variant type: single nucleotide variant.
Coding change: c.755C>T on transcript NM_003611.3 (MANE Select); coding-DNA position 755, C replaced by T.
Protein change: p.Ala252Val; replaces alanine 252 with valine.
Molecular consequence: missense variant.
Genome position (GRCh38, 1-based): chrX:13,746,880, C>T. VCF-style: chrX-13746880-C-T. GRCh37 (hg19) VCF-style: chrX-13764999-C-T.
Other names: c.755C>T, p.Ala252Val (NM_001330209.2); c.335C>T, p.Ala112Val (NM_001330210.2); short protein forms A112V, A252V.
Identifiers: ClinVar variation 3749219 (VCV003749219.2).

ClinVar aggregate classification (germline): Uncertain significance (1 of 4 stars; one submission).

Conditions:
Joubert syndrome. Also called: CEREBELLOPARENCHYMAL DISORDER IV; JOUBERT-BOLTSHAUSER SYNDROME; Familial aplasia of the vermis. Identifiers: Orphanet 475, MedGen C5979921, MONDO:0018772.
Orofaciodigital syndrome I (OFD1). Also called: OFDS I; Papillon-Leage and Psaume Syndrome; Oral-Facial-Digital Syndrome Type I. Identifiers: Orphanet 2750, MedGen C1510460, MONDO:0010702, OMIM 311200.

gnomAD v4.1: 8 of 1,209,809 alleles (0.00066%); highest among the groups gnomAD compares: Non-Finnish European, 0.00089%; no homozygotes.

Submission:

Labcorp Genetics (formerly Invitae), Labcorp
Classification: Uncertain significance for Orofaciodigital syndrome I; Joubert syndrome. Last evaluated: 2025-11-27. Review status: criteria provided, single submitter. Criteria: Invitae Variant Classification Sherloc (09022015). Collection method: clinical testing. Allele origin: germline.
Comment: This sequence change replaces alanine, which is neutral and non-polar, with valine, which is neutral and non-polar, at codon 252 of the OFD1 protein (p.Ala252Val). This variant is not present in population databases (gnomAD no frequency). This variant has not been reported in the literature in individuals affected with OFD1-related conditions. ClinVar contains an entry for this variant (Variation ID: 3749219). Invitae Evidence Modeling of protein sequence and biophysical properties (such as structural, functional, and spatial information, amino acid conservation, physicochemical variation, residue mobility, and thermodynamic stability) indicates that this missense variant is not expected to disrupt OFD1 protein function with a negative predictive value of 80%. In summary, the available evidence is currently insufficient to determine the role of this variant in disease. Therefore, it has been classified as a Variant of Uncertain Significance.